The following is an entry in ClinVar:

NM_033100.4(CDHR1):c.634G>T (p.Ala212Ser)

Gene: CDHR1 (cadherin related family member 1; plus strand). Cytogenetic location: 10q23.1.
Variant type: single nucleotide variant.
Coding change: c.634G>T on transcript NM_033100.4 (MANE Select); coding-DNA position 634, G replaced by T.
Protein change: p.Ala212Ser; replaces alanine 212 with serine.
Molecular consequence: missense variant.
Genome position (GRCh38, 1-based): chr10:84,201,915, G>T. VCF-style: chr10-84201915-G-T. GRCh37 (hg19) VCF-style: chr10-85961671-G-T.
Other names: c.634G>T, p.Ala212Ser (NM_001171971.3); short protein forms A212S.
Identifiers: ClinVar variation 852585 (VCV000852585.10), dbSNP rs200880106, ClinGen allele CA210380200.
Genomic context (GRCh38, chr10:84,201,915, plus strand): 5'-CTCCAGGCTGGGGCCACTCTGGACTACGAGAGGTCCCGGACCCACTACATCACCGTGGTC[G>T]CCAAGGTAACACAGCAGGACAGGGGAGCATCCAGTGTCTCCTCAGCCCTTGGGTTGGAAC-3'
Protein context (NP_149091.1, residues 202-222): RSRTHYITVV[Ala212Ser]KDGGGRLHGA

ClinVar aggregate classification (germline): Uncertain significance (1 of 4 stars; one submission).

Allele frequency attached by ClinVar (database versions not stated): TOPMed 0.00001; 1000 Genomes Project 30x 0.00016; 1000 Genomes Project 0.00020.
gnomAD v4.1: 16 of 1,603,024 alleles (0.001%); highest among the groups gnomAD compares: African/African-American, 0.0013%; no homozygotes.

Submission:

Labcorp Genetics (formerly Invitae), Labcorp
Classification: Uncertain significance. Last evaluated: 2022-07-06. Review status: criteria provided, single submitter. Criteria: Invitae Variant Classification Sherloc (09022015). Collection method: clinical testing. Allele origin: germline.
Comment: In summary, the available evidence is currently insufficient to determine the role of this variant in disease. Therefore, it has been classified as a Variant of Uncertain Significance. Advanced modeling of protein sequence and biophysical properties (such as structural, functional, and spatial information, amino acid conservation, physicochemical variation, residue mobility, and thermodynamic stability) performed at Invitae indicates that this missense variant is not expected to disrupt CDHR1 protein function. ClinVar contains an entry for this variant (Variation ID: 852585). This variant has not been reported in the literature in individuals affected with CDHR1-related conditions. This variant is present in population databases (rs200880106, gnomAD 0.007%). This sequence change replaces alanine, which is neutral and non-polar, with serine, which is neutral and polar, at codon 212 of the CDHR1 protein (p.Ala212Ser).